The following is an entry in ClinVar:

ClinVar aggregate classification (germline): Uncertain significance. Review status: criteria provided, multiple submitters, no conflicts (2 of 4 stars). 2 submissions from 2 submitters: Uncertain significance (2). Last evaluated 2026-01-27.

Conditions:
Cardiovascular phenotype. Identifiers: MedGen CN230736.
Dilated cardiomyopathy 1AA (CMD1AA). Also called: CARDIOMYOPATHY, DILATED, 1AA, WITH OR WITHOUT LEFT VENTRICULAR NONCOMPACTION; CARDIOMYOPATHY, FAMILIAL HYPERTROPHIC, 23, WITH OR WITHOUT LEFT VENTRICULAR NONCOMPACTION; Cardiomyopathy, dilated, 1AA, with or without LVNC. Identifiers: Orphanet 154, MedGen C2677338, MONDO:0012808, OMIM 612158.
Primary familial hypertrophic cardiomyopathy (HCM). Identifiers: Orphanet 99739, MedGen C0949658, MeSH D024741, MONDO:0024573. Inheritance: Various modes of inheritance.

Submissions (2):

Ambry Genetics
Classification: Uncertain significance for Cardiovascular phenotype. Last evaluated: 2026-01-27. Review status: criteria provided, single submitter. Criteria: Ambry Variant Classification Scheme 2023. Collection method: clinical testing. Allele origin: germline.
Comment: The c.2538_2539delGGinsTC variant (also known as p.A847P), located in coding exon 21 of the ACTN2 gene, results from an in-frame deletion of GG and insertion of TC at nucleotide positions 2538 to 2539. This results in the substitution of the alanine residue for a proline residue at codon 847, an amino acid with highly similar properties. This amino acid position is not well conserved in available vertebrate species. In addition, this variant is predicted to be neutral by in silico analysis (Choi Y et al. PLoS ONE. 2012; 7(10):e46688). Based on the available evidence, the clinical significance of this variant remains unclear.

Labcorp Genetics (formerly Invitae), Labcorp
Classification: Uncertain significance for Primary familial hypertrophic cardiomyopathy; Dilated cardiomyopathy 1AA. Last evaluated: 2023-04-11. Review status: criteria provided, single submitter. Criteria: Invitae Variant Classification Sherloc (09022015). Collection method: clinical testing. Allele origin: germline.
Comment: In summary, the available evidence is currently insufficient to determine the role of this variant in disease. Therefore, it has been classified as a Variant of Uncertain Significance. Experimental studies and prediction algorithms are not available or were not evaluated, and the functional significance of this variant is currently unknown. ClinVar contains an entry for this variant (Variation ID: 1056609). This variant has not been reported in the literature in individuals affected with ACTN2-related conditions. Information on the frequency of this variant in the gnomAD database is not available, as this variant may be reported differently in the database. This sequence change replaces alanine, which is neutral and non-polar, with proline, which is neutral and non-polar, at codon 847 of the ACTN2 protein (p.Ala847Pro).

NM_001103.4(ACTN2):c.2538_2539delinsTC (p.Ala847Pro)

Gene: ACTN2 (actinin alpha 2; plus strand). Cytogenetic location: 1q43.
Variant type: Indel.
Coding change: c.2538_2539delinsTC on transcript NM_001103.4 (MANE Select); coding-DNA positions 2538 to 2539, GG replaced by TC.
Protein change: p.Ala847Pro; replaces alanine 847 with proline.
Molecular consequence: missense variant.
Genome position (GRCh38, 1-based): chr1:236,762,472-236,762,473, GG replaced by TC. VCF-style: chr1-236762472-GG-TC. GRCh37 (hg19) VCF-style: chr1-236925772-GG-TC.
Other names: c.2538_2539delinsTC, p.Ala847Pro (NM_001278343.2); c.1914_1915delinsTC, p.Ala639Pro (NM_001278344.2); c.2538_2539delGGinsTC (NM_001103.2); short protein forms A639P, A847P.
Identifiers: ClinVar variation 1056609 (VCV001056609.12), dbSNP rs2102953618, ClinGen allele CA2499214570.